The following is an entry in ClinVar:

ClinVar aggregate classification (germline): Uncertain significance (1 of 4 stars; one submission).

Submission:

Labcorp Genetics (formerly Invitae), Labcorp
Classification: Uncertain significance. Last evaluated: 2023-08-04. Review status: criteria provided, single submitter. Criteria: Invitae Variant Classification Sherloc (09022015). Collection method: clinical testing. Allele origin: germline.
Comment: In summary, the available evidence is currently insufficient to determine the role of this variant in disease. Therefore, it has been classified as a Variant of Uncertain Significance. Experimental studies and prediction algorithms are not available or were not evaluated, and the functional significance of this variant is currently unknown. ClinVar contains an entry for this variant (Variation ID: 1361846). This variant has not been reported in the literature in individuals affected with IDH3B-related conditions. This variant is not present in population databases (gnomAD no frequency). This variant is a gross deletion of the genomic region encompassing exon(s) 2 of the IDH3B gene. This variant would be expected to be in-frame, preserving the integrity of the reading frame.

NM_006899.5(IDH3B):c.37-18_117+71delinsGACCTTA

Gene: IDH3B (isocitrate dehydrogenase (NAD(+)) 3 non-catalytic subunit beta; minus strand). Cytogenetic location: 20p13.
Variant type: Indel.
Coding change: c.37-18_117+71delinsGACCTTA on transcript NM_006899.5 (MANE Select); 18 bases into the intron before coding-DNA position 37 through 71 bases into the intron after coding-DNA position 117, the reference bases replaced by GACCTTA.
Molecular consequence: splice acceptor variant, splice donor variant.
Genome position (GRCh38, 1-based): chr20:2,663,854-2,664,023, 170 bases replaced. GRCh37 (hg19): chr20:2,644,500-2,644,669.
Other names: c.37-18_117+71delinsGACCTTA (NM_174855.4, NM_001330763.2, NM_001258384.3).
Identifiers: ClinVar variation 1361846 (VCV001361846.6), dbSNP rs2146320495, ClinGen allele CA2573157008.